The following is an entry in ClinVar:

NM_001848.3(COL6A1):c.1475C>T (p.Ala492Val)

Gene: COL6A1 (collagen type VI alpha 1 chain; plus strand). Cytogenetic location: 21q22.3.
Variant type: single nucleotide variant.
Coding change: c.1475C>T on transcript NM_001848.3 (MANE Select); coding-DNA position 1475, C replaced by T.
Protein change: p.Ala492Val; replaces alanine 492 with valine.
Molecular consequence: missense variant.
Genome position (GRCh38, 1-based): chr21:45,997,713, C>T. VCF-style: chr21-45997713-C-T. GRCh37 (hg19) VCF-style: chr21-47417627-C-T.
Other names: p.Ala492Val; short protein forms A492V.
Identifiers: ClinVar variation 340319 (VCV000340319.16), dbSNP rs117340427, ClinGen allele CA10070349.
Genomic context (GRCh38, chr21:45,997,713, plus strand): 5'-GTCACCATGCTAAGCCTGCTCCCCTCACGCCTCCTCTTCCTCCTCAGGGTGCCAGAGGAG[C>T]CCCAGGACCTGCCGGACCCCCTGGAGACCCGGGGCTGATGGGTGAAAGGGTGAGTGTCCA-3'
Protein context (NP_001839.2, residues 482-502): GPPGSEGARG[Ala492Val]PGPAGPPGDP

ClinVar aggregate classification (germline): Benign/Likely benign. Review status: criteria provided, multiple submitters, no conflicts (2 of 4 stars). 5 submissions from 5 submitters: Benign (3); Likely benign (2). Last evaluated 2025-11-04.

Conditions:
Collagen 6-related myopathy. Identifiers: MedGen CN117976, MONDO:0100225.
Bethlem myopathy 1A. Also called: MYOPATHY, BENIGN CONGENITAL, WITH CONTRACTURES; Bethlem myopathy 1; Bethlem Muscular Dystrophy. Identifiers: Orphanet 610, MedGen CN029274, MONDO:0024530, OMIM 158810.

Allele frequency attached by ClinVar (database versions not stated): ESP Exome Variant Server 0.00008; gnomAD 0.00016 and 0.00029; TOPMed 0.00028; gnomAD exomes 0.00059; 1000 Genomes Project 30x 0.00109; 1000 Genomes Project 0.00140; ExAC 0.00176.
gnomAD v4.1: 563 of 1,592,966 alleles (0.035%); highest among the groups gnomAD compares: East Asian, 1.2%; 3 homozygotes.

Submissions (5):

Labcorp Genetics (formerly Invitae), Labcorp
Classification: Benign for Bethlem myopathy 1A. Last evaluated: 2025-11-04. Review status: criteria provided, single submitter. Criteria: Invitae Variant Classification Sherloc (09022015). Collection method: clinical testing. Allele origin: germline.

Women's Health and Genetics/Laboratory Corporation of America, LabCorp
Classification: Benign. Last evaluated: 2025-06-27. Review status: criteria provided, single submitter. Criteria: LabCorp Variant Classification Summary - May 2015. Collection method: clinical testing. Allele origin: germline.
Comment: Variant summary: COL6A1 c.1475C>T (p.Ala492Val) results in a non-conservative amino acid change located in the Collagen triple helix repeat region (IPR008160) of the encoded protein sequence. Algorithms developed to predict the effect of missense changes on protein structure and function are either unavailable or do not agree on the potential impact of this missense change. The variant allele was found at a frequency of 0.00035 in 1586060 control chromosomes, predominantly at a frequency of 0.012 within the East Asian subpopulation in the gnomAD database, including 3 homozygotes. However, the variant was reported in some East Asian subpopulations with an even higher allele frequency, e.g. in the Japanese, with an allele frequency of 0.018, including 26 homozygotes (in the jMorp database; PMID: 33179747). The observed variant frequency within East Asian control individuals in the gnomAD database is higher than the estimated maximal expected allele frequency for a pathogenic variant in COL6A1 causing Ullrich congenital muscular dystrophy 1 phenotype (0.0035). To our knowledge, no occurrence of c.1475C>T in individuals affected with Ullrich congenital muscular dystrophy 1 and no experimental evidence demonstrating its impact on protein function have been reported. ClinVar contains an entry for this variant (Variation ID: 340319). Based on the evidence outlined above, the variant was classified as benign.

Mayo Clinic Laboratories, Mayo Clinic
Classification: Likely benign. Last evaluated: 2025-04-15. Review status: criteria provided, single submitter. Criteria: ACMG Guidelines, 2015. Collection method: clinical testing. Allele origin: germline. Observed: 1 variant allele.
Comment: BS1, BP4

Illumina Laboratory Services, Illumina
Classification: Benign for Collagen VI-related myopathy. Last evaluated: 2018-01-12. Review status: criteria provided, single submitter. Criteria: ICSL Variant Classification Criteria 13 December 2019. Collection method: clinical testing. Allele origin: germline.
Comment: This variant was observed in the ICSL laboratory as part of a predisposition screen in an ostensibly healthy population. It had not been previously curated by ICSL or reported in the Human Gene Mutation Database (HGMD: prior to June 1st, 2018), and was therefore a candidate for classification through an automated scoring system. Utilizing variant allele frequency, disease prevalence and penetrance estimates, and inheritance mode, an automated score was calculated to assess if this variant is too frequent to cause the disease. Based on the score and internal cut-off values, a variant classified as benign is not then subjected to further curation. The score for this variant resulted in a classification of benign for this disease.

GeneDx
Classification: Likely benign. Last evaluated: 2015-03-27. Review status: criteria provided, single submitter. Criteria: GeneDx Variant Classification (06012015). Collection method: clinical testing. Allele origin: germline. Affected: yes.
Comment: This variant is considered likely benign or benign based on one or more of the following criteria: it is a conservative change, it occurs at a poorly conserved position in the protein, it is predicted to be benign by multiple in silico algorithms, and/or has population frequency not consistent with disease.